The following is an entry in ClinVar:

NM_001292034.3(TAB2):c.787A>C (p.Asn263His)

Genes: TAB2 (TGF-beta activated kinase 1 (MAP3K7) binding protein 2; plus strand), LOC126859827 (BRD4-independent group 4 enhancer GRCh37_chr6:149699707-149700906; plus strand). Cytogenetic location: 6q25.1.
Variant type: single nucleotide variant.
Coding change: c.787A>C on transcript NM_001292034.3 (MANE Select); coding-DNA position 787, A replaced by C.
Protein change: p.Asn263His; replaces asparagine 263 with histidine.
Molecular consequence: missense variant.
Genome position (GRCh38, 1-based): chr6:149,378,702, A>C. VCF-style: chr6-149378702-A-C. GRCh37 (hg19) VCF-style: chr6-149699838-A-C.
Other names: c.691A>C, p.Asn231His (NM_001292035.3); c.787A>C, p.Asn263His (NM_001369506.1, NM_015093.6); short protein forms N231H, N263H.
Identifiers: ClinVar variation 4749761 (VCV004749761.1).

ClinVar aggregate classification (germline): Uncertain significance (1 of 4 stars; one submission).

gnomAD v4.1: 3 of 1,613,962 alleles (0.00019%); highest among the groups gnomAD compares: South Asian, 0.0022%; no homozygotes.

Submission:

Labcorp Genetics (formerly Invitae), Labcorp
Classification: Uncertain significance. Last evaluated: 2025-08-03. Review status: criteria provided, single submitter. Criteria: Invitae Variant Classification Sherloc (09022015). Collection method: clinical testing. Allele origin: germline.
Comment: This sequence change replaces asparagine, which is neutral and polar, with histidine, which is basic and polar, at codon 263 of the TAB2 protein (p.Asn263His). This variant is not present in population databases (gnomAD no frequency). This variant has not been reported in the literature in individuals affected with TAB2-related conditions. Invitae Evidence Modeling of protein sequence and biophysical properties (such as structural, functional, and spatial information, amino acid conservation, physicochemical variation, residue mobility, and thermodynamic stability) indicates that this missense variant is not expected to disrupt TAB2 protein function with a negative predictive value of 80%. In summary, the available evidence is currently insufficient to determine the role of this variant in disease. Therefore, it has been classified as a Variant of Uncertain Significance.